The following is an entry in ClinVar:

NM_013254.4(TBK1):c.-61C>T

Genes: TBK1 (TANK binding kinase 1; plus strand), LOC130008203 (ATAC-STARR-seq lymphoblastoid silent region 4621; plus strand). Cytogenetic location: 12q14.2.
Variant type: single nucleotide variant.
Coding change: c.-61C>T on transcript NM_013254.4 (MANE Select); 61 bases upstream of the start codon, C replaced by T.
Molecular consequence: 5 prime UTR variant.
Genome position (GRCh38, 1-based): chr12:64,452,158, C>T. VCF-style: chr12-64452158-C-T. GRCh37 (hg19) VCF-style: chr12-64845938-C-T.
Identifiers: ClinVar variation 3905710 (VCV003905710.10).
Genomic context (GRCh38, chr12:64,452,158, plus strand): 5'-TCCGGCCAGGGCTTGCGAAGCCGGAAGTGTCCTGAGTCTCGAGGAGGCCGCGGGAGCCCG[C>T]CGGCGGTGGCGCGGCGGAGACCCGGCTGGGTAAGTGAGACGGCCGCGGGCTGAGGGGCCA-3'

ClinVar aggregate classification (germline): Likely benign (1 of 4 stars; one submission).

Submission:

CeGaT Center for Human Genetics Tuebingen
Classification: Likely benign. Last evaluated: 2025-04-01. Review status: criteria provided, single submitter. Criteria: CeGaT Center For Human Genetics Tuebingen Variant Classification Criteria Version 2. Collection method: clinical testing. Allele origin: germline. Affected: yes. Observed: 1 variant allele.
Comment: ENSG00000277895: BS2